The following is an entry in ClinVar:

ClinVar aggregate classification (germline): Uncertain significance (1 of 4 stars; one submission).

Conditions:
Deficiency of hyaluronoglucosaminidase (MPS9). Also called: HYALURONIDASE DEFICIENCY; MPS IX; Mucopolysaccharidosis type 9. Identifiers: Orphanet 67041, MedGen C1291490, MONDO:0011093, OMIM 601492.

gnomAD v4.1: 5 of 1,614,210 alleles (0.00031%); highest among the groups gnomAD compares: Non-Finnish European, 0.00042%; no homozygotes.

Submission:

Labcorp Genetics (formerly Invitae), Labcorp
Classification: Uncertain significance for Deficiency of hyaluronoglucosaminidase. Last evaluated: 2022-02-10. Review status: criteria provided, single submitter. Criteria: Invitae Variant Classification Sherloc (09022015). Collection method: clinical testing. Allele origin: germline.
Comment: In summary, the available evidence is currently insufficient to determine the role of this variant in disease. Therefore, it has been classified as a Variant of Uncertain Significance. Algorithms developed to predict the effect of missense changes on protein structure and function are either unavailable or do not agree on the potential impact of this missense change (SIFT: "Tolerated"; PolyPhen-2: "Probably Damaging"; Align-GVGD: "Class C0"). ClinVar contains an entry for this variant (Variation ID: 841922). This variant has not been reported in the literature in individuals affected with HYAL1-related conditions. This variant is present in population databases (no rsID available, gnomAD 0.0009%). This sequence change replaces proline, which is neutral and non-polar, with serine, which is neutral and polar, at codon 285 of the HYAL1 protein (p.Pro285Ser).

NM_033159.4(HYAL1):c.853C>T (p.Pro285Ser)

Gene: HYAL1 (hyaluronidase 1; minus strand). Cytogenetic location: 3p21.31.
Variant type: single nucleotide variant.
Coding change: c.853C>T on transcript NM_033159.4 (MANE Select); coding-DNA position 853, C replaced by T.
Protein change: p.Pro285Ser; replaces proline 285 with serine.
Molecular consequence: missense variant. On other transcripts: non-coding transcript variant (1).
Genome position (GRCh38, 1-based): chr3:50,302,104, G>A on the plus strand (C>T on the coding strand, the complement: HYAL1 is on the minus strand). VCF-style: chr3-50302104-G-A. GRCh37 (hg19) VCF-style: chr3-50339535-G-A.
Other names: c.853C>T, p.Pro285Ser (NM_153281.2, NM_153282.3); c.307C>T, p.Pro103Ser (NM_153283.3); c.76C>T, p.Pro26Ser (NM_153285.3); short protein forms P103S, P26S, P285S.
Identifiers: ClinVar variation 841922 (VCV000841922.6), dbSNP rs902728091, ClinGen allele CA74603456.